The following is an entry in ClinVar:

ClinVar aggregate classification (germline): Pathogenic (1 of 4 stars; one submission).

Submission:

Labcorp Genetics (formerly Invitae), Labcorp
Classification: Pathogenic. Last evaluated: 2023-09-19. Review status: criteria provided, single submitter. Criteria: Invitae Variant Classification Sherloc (09022015). Collection method: clinical testing. Allele origin: germline.
Comment: For these reasons, this variant has been classified as Pathogenic. This variant disrupts a region of the USH2A protein in which other variant(s) (p.Gly1526Arg) have been determined to be pathogenic (PMID: 25356976, 26310143, 30948794). This suggests that this is a clinically significant region of the protein, and that variants that disrupt it are likely to be disease-causing. A similar copy number variant has been observed in individual(s) with retinitis pigmentosa and/or Usher syndrome (PMID: 27460420, 31054281). This variant is a gross deletion of the genomic region encompassing exon(s) 17-21 of the USH2A gene. This variant would be expected to be in-frame, preserving the integrity of the reading frame.

Literature cited by the submitters: PubMed 25356976; PubMed 26310143; PubMed 30948794; PubMed 27460420; PubMed 31054281.

NC_000001.10:g.(?_216348574)_(216373483_?)del

Gene: USH2A (usherin; minus strand). Cytogenetic location: 1q41.
Variant type: Deletion.
Identifiers: ClinVar variation 1459778 (VCV001459778.5).